The following is an entry in ClinVar:

NM_032119.4(ADGRV1):c.6718A>G (p.Thr2240Ala)

Gene: ADGRV1 (adhesion G protein-coupled receptor V1; plus strand). Cytogenetic location: 5q14.3.
Variant type: single nucleotide variant.
Coding change: c.6718A>G on transcript NM_032119.4 (MANE Select); coding-DNA position 6718, A replaced by G.
Protein change: p.Thr2240Ala; replaces threonine 2240 with alanine.
Molecular consequence: missense variant. On other transcripts: non-coding transcript variant (1).
Genome position (GRCh38, 1-based): chr5:90,690,808, A>G. VCF-style: chr5-90690808-A-G. GRCh37 (hg19) VCF-style: chr5-89986625-A-G.
Other names: short protein forms T2240A.
Identifiers: ClinVar variation 1951971 (VCV001951971.5), dbSNP rs766596908, ClinGen allele CA3339861.

ClinVar aggregate classification (germline): Uncertain significance (1 of 4 stars; one submission).

Allele frequency attached by ClinVar (database versions not stated): gnomAD exomes below 0.00001; TOPMed below 0.00001; ExAC 0.00002.
gnomAD v4.1: 7 of 1,594,848 alleles (0.00044%); highest among the groups gnomAD compares: African/African-American, 0.0013%; 1 homozygote.

Submission:

Labcorp Genetics (formerly Invitae), Labcorp
Classification: Uncertain significance. Last evaluated: 2022-07-23. Review status: criteria provided, single submitter. Criteria: Invitae Variant Classification Sherloc (09022015). Collection method: clinical testing. Allele origin: germline.
Comment: This variant has not been reported in the literature in individuals affected with ADGRV1-related conditions. In summary, the available evidence is currently insufficient to determine the role of this variant in disease. Therefore, it has been classified as a Variant of Uncertain Significance. Algorithms developed to predict the effect of missense changes on protein structure and function are either unavailable or do not agree on the potential impact of this missense change (SIFT: "Tolerated"; PolyPhen-2: "Possibly Damaging"; Align-GVGD: "Class C0"). This variant is present in population databases (rs766596908, gnomAD 0.003%). This sequence change replaces threonine, which is neutral and polar, with alanine, which is neutral and non-polar, at codon 2240 of the ADGRV1 protein (p.Thr2240Ala).